The following is an entry in ClinVar:

NM_001283009.2(RTEL1):c.396-25G>A

Genes: RTEL1 (regulator of telomere elongation helicase 1; plus strand), RTEL1-TNFRSF6B (RTEL1-TNFRSF6B readthrough (NMD candidate); plus strand). Cytogenetic location: 20q13.33.
Variant type: single nucleotide variant.
Coding change: c.396-25G>A on transcript NM_001283009.2 (MANE Select); 25 bases into the intron before coding-DNA position 396, G replaced by A.
Molecular consequence: intron variant. On other transcripts: missense variant (1).
Genome position (GRCh38, 1-based): chr20:63,662,521, G>A. VCF-style: chr20-63662521-G-A. GRCh37 (hg19) VCF-style: chr20-62293874-G-A.
Other names: c.443G>A, p.Arg148Gln (NM_032957.5); c.-274-25G>A (NM_001283010.1); c.396-25G>A (NM_016434.4); short protein forms R148Q.
Identifiers: ClinVar variation 1740617 (VCV001740617.2), dbSNP rs755086209, ClinGen allele CA9964244.
Genomic context (GRCh38, chr20:63,662,521, plus strand): 5'-TGTCTCCATACAGCTCACGCTGCAGGGCCACGCTGTGGGTGTTGGAGACAGCTCCTCCTC[G>A]ACCCACGGTGCTCTCTCCCACCAGGCCTAAGGTGTGTGTGCTGGGCTCCCGGGAGCAGCT-3'

ClinVar aggregate classification (germline): Uncertain significance (1 of 4 stars; one submission).

Conditions:
Inborn genetic diseases. Identifiers: MedGen C0950123, MeSH D030342.

Allele frequency attached by ClinVar (database versions not stated): TOPMed below 0.00001; ExAC 0.00002.

Submission:

Ambry Genetics
Classification: Uncertain significance for Inborn genetic diseases. Last evaluated: 2021-08-16. Review status: criteria provided, single submitter. Criteria: Ambry Variant Classification Scheme 2023. Collection method: clinical testing. Allele origin: germline.
Comment: The p.R148Q variant (also known as c.443G>A), located in coding exon 4 of the RTEL1 gene, results from a G to A substitution at nucleotide position 443. The arginine at codon 148 is replaced by glutamine, an amino acid with highly similar properties. This amino acid position is conserved. In addition, this alteration is predicted to be tolerated by in silico analysis. Since supporting evidence is limited at this time, the clinical significance of this alteration remains unclear.